The following is an entry in ClinVar:

ClinVar aggregate classification (germline): Uncertain significance. Review status: criteria provided, single submitter (1 of 4 stars). 3 submissions from 3 submitters: Uncertain significance (1). 2 of the submissions do not count toward it. Last evaluated 2021-08-27.

Conditions:
Fanconi anemia (FA). Also called: Fanconi's anemia. Identifiers: Orphanet 84, MedGen C0015625, MeSH D005199, MONDO:0019391.
Fanconi anemia complementation group A (FANCA). Also called: FANCA-Related Fanconi Anemia; Fanconi anemia, group A. Identifiers: Orphanet 84, MedGen C3469521, MONDO:0009215, OMIM 227650.

Allele frequency attached by ClinVar (database versions not stated): gnomAD 0.00001; gnomAD exomes 0.00001; TOPMed 0.00001; ExAC 0.00002.
gnomAD v4.1: 12 of 1,613,844 alleles (0.00074%); highest among the groups gnomAD compares: African/African-American, 0.004%; no homozygotes.

Submissions (3):

Labcorp Genetics (formerly Invitae), Labcorp
Classification: Uncertain significance for Fanconi anemia. Last evaluated: 2021-08-27. Review status: criteria provided, single submitter. Criteria: Invitae Variant Classification Sherloc (09022015). Collection method: clinical testing. Allele origin: germline.
Comment: This sequence change replaces serine with leucine at codon 968 of the FANCA protein (p.Ser968Leu). The serine residue is moderately conserved and there is a large physicochemical difference between serine and leucine. This variant is present in population databases (rs779162871, ExAC 0.01%). This variant has not been reported in the literature in individuals affected with FANCA-related conditions. Algorithms developed to predict the effect of missense changes on protein structure and function output the following: SIFT: "Tolerated"; PolyPhen-2: "Benign"; Align-GVGD: "Class C0". The leucine amino acid residue is found in multiple mammalian species, which suggests that this missense change does not adversely affect protein function. In summary, the available evidence is currently insufficient to determine the role of this variant in disease. Therefore, it has been classified as a Variant of Uncertain Significance.

Natera, Inc.
Classification: Uncertain significance for Fanconi anemia. Last evaluated: 2020-12-10. Review status: no assertion criteria provided. Collection method: clinical testing. Allele origin: germline. Not counted in ClinVar's aggregate classification.

Counsyl
Classification: Uncertain significance for Fanconi anemia complementation group A. Last evaluated: 2018-03-13. Review status: no assertion criteria provided. Collection method: clinical testing. Allele origin: unknown. Not counted in ClinVar's aggregate classification.

NM_000135.4(FANCA):c.2903C>T (p.Ser968Leu)

Gene: FANCA (FA complementation group A; minus strand). Cytogenetic location: 16q24.3.
Variant type: single nucleotide variant.
Coding change: c.2903C>T on transcript NM_000135.4 (MANE Select); coding-DNA position 2903, C replaced by T.
Protein change: p.Ser968Leu; replaces serine 968 with leucine.
Molecular consequence: missense variant.
Genome position (GRCh38, 1-based): chr16:89,758,655, G>A on the plus strand (C>T on the coding strand, the complement: FANCA is on the minus strand). VCF-style: chr16-89758655-G-A. GRCh37 (hg19) VCF-style: chr16-89825063-G-A.
Other names: c.2903C>T (LRG_495t1); c.2903C>T, p.Ser968Leu (NM_001286167.3); short protein forms S968L.
Identifiers: ClinVar variation 237044 (VCV000237044.10), dbSNP rs779162871, ClinGen allele CA8251443.